The following is an entry in ClinVar:

NM_015346.4(ZFYVE26):c.4640_4643del (p.Pro1547fs)

Gene: ZFYVE26 (zinc finger FYVE-type containing 26; minus strand). Cytogenetic location: 14q24.1.
Variant type: Deletion.
Coding change: c.4640_4643del on transcript NM_015346.4 (MANE Select); coding-DNA positions 4640 to 4643, 4 bases deleted (CATC; older notation c.4640_4643delCATC).
Protein change: p.Pro1547fs; shifts the reading frame from proline 1547.
Molecular consequence: frameshift variant.
Genome position (GRCh38, 1-based): chr14:67,780,272-67,780,275, GATG deleted on the plus strand (CATC on the coding strand, the reverse complement: ZFYVE26 is on the minus strand); deleting any 4 consecutive bases within chr14:67,780,272-67,780,276 gives the same sequence; the c. name uses the placement nearest the transcript's 3' end. VCF-style (leftmost placement, unchanged base first): chr14-67780271-TGATG-T. GRCh37 (hg19) VCF-style: chr14-68246988-TGATG-T.
Other names: short protein forms P1547fs.
Identifiers: ClinVar variation 2025542 (VCV002025542.4), dbSNP rs2039463765, ClinGen allele CA2144026583.
Genomic context (GRCh38, chr14:67,780,271, plus strand): 5'-GAAGGGGAACACCACCCAGGAAAACGGTACCTGTGCTTCTAGAATCATGTTCATGACAGT[TGATG>T]GGTCCTCAACACAACAGCTCCTCAAGGTCTGCCAGTCACACCACACTGGGGGAGACTGCA-3'

ClinVar aggregate classification (germline): Pathogenic (1 of 4 stars; one submission).

Conditions:
Spastic paraplegia. Identifiers: MedGen C0037772, HP:0001258.

Submission:

Labcorp Genetics (formerly Invitae), Labcorp
Classification: Pathogenic for Spastic paraplegia. Last evaluated: 2022-08-21. Review status: criteria provided, single submitter. Criteria: Invitae Variant Classification Sherloc (09022015). Collection method: clinical testing. Allele origin: germline.
Comment: For these reasons, this variant has been classified as Pathogenic. This variant has not been reported in the literature in individuals affected with ZFYVE26-related conditions. This variant is not present in population databases (gnomAD no frequency). This sequence change creates a premature translational stop signal (p.Pro1547Glnfs*4) in the ZFYVE26 gene. It is expected to result in an absent or disrupted protein product. Loss-of-function variants in ZFYVE26 are known to be pathogenic (PMID: 18394578, 19805727).

Literature cited by the submitters: PubMed 18394578; PubMed 19805727.